The following is an entry in ClinVar:

NM_001374736.1(DST):c.16747C>A (p.Arg5583=)

Gene: DST (dystonin; minus strand). Cytogenetic location: 6p12.1.
Variant type: single nucleotide variant.
Coding change: c.16747C>A on transcript NM_001374736.1 (MANE Select); coding-DNA position 16747, C replaced by A.
Protein change: p.Arg5583=; no amino-acid change (arginine 5583 retained).
Molecular consequence: synonymous variant.
Genome position (GRCh38, 1-based): chr6:56,536,802, G>T on the plus strand (C>A on the coding strand, the complement: DST is on the minus strand). VCF-style: chr6-56536802-G-T. GRCh37 (hg19) VCF-style: chr6-56401600-G-T.
Other names: c.10390C>A, p.Arg3464= (NM_001144769.5); c.9976C>A, p.Arg3326= (NM_001144770.2); c.16747C>A, p.Arg5583= (NM_001374722.1); c.16114C>A, p.Arg5372= (NM_001374729.1); c.9856C>A, p.Arg3286= (NM_001374730.1, NM_001386100.1, NM_183380.4); c.16774C>A, p.Arg5592= (NM_001374734.1); c.8878C>A, p.Arg2960= (NM_015548.5).
Identifiers: ClinVar variation 2929309 (VCV002929309.3), dbSNP rs568055144, ClinGen allele CA450486833.

ClinVar aggregate classification (germline): Uncertain significance (1 of 4 stars; one submission).

Conditions:
Hereditary sensory and autonomic neuropathy type 6. Also called: HSAN VI; Neuropathy, hereditary sensory and autonomic, type VI. Identifiers: Orphanet 314381, MedGen C3539003, MONDO:0013839, OMIM 614653.
Epidermolysis bullosa simplex 3, localized or generalized intermediate, with BP230 deficiency (EBS3). Also called: Epidermolysis bullosa simplex, autosomal recessive 2; Epidermolysis bullosa simplex due to BP230 deficiency. Identifiers: Orphanet 412181, MedGen C3809470, MONDO:0014180, OMIM 615425.

Submission:

Labcorp Genetics (formerly Invitae), Labcorp
Classification: Uncertain significance for Epidermolysis bullosa simplex 3, localized or generalized intermediate, with BP230 deficiency; Hereditary sensory and autonomic neuropathy type 6. Last evaluated: 2023-05-22. Review status: criteria provided, single submitter. Criteria: Invitae Variant Classification Sherloc (09022015). Collection method: clinical testing. Allele origin: germline.
Comment: The DST gene has multiple clinically relevant transcripts. This variant occurs in alternate transcript NM_015548.4, and corresponds to NM_001723.5:c.*78715C>A in the primary transcript. This sequence change affects codon 2960 of the DST mRNA. It is a 'silent' change, meaning that it does not change the encoded amino acid sequence of the DST protein. This variant is not present in population databases (gnomAD no frequency). This variant has not been reported in the literature in individuals affected with DST-related conditions. Experimental studies and prediction algorithms are not available or were not evaluated, and the effect of this variant on mRNA splicing is currently unknown. In summary, the available evidence is currently insufficient to determine the role of this variant in disease. Therefore, it has been classified as a Variant of Uncertain Significance.